The following is an entry in ClinVar:

ClinVar aggregate classification (germline): Likely benign (1 of 4 stars; one submission).

Allele frequency attached by ClinVar (database versions not stated): gnomAD exomes below 0.00001.
gnomAD v4.1: 1 of 1,613,974 alleles (0.000062%); highest among the groups gnomAD compares: Non-Finnish European, 0.000085%; no homozygotes.

Submission:

CeGaT Center for Human Genetics Tuebingen
Classification: Likely benign. Last evaluated: 2023-01-01. Review status: criteria provided, single submitter. Criteria: CeGaT Center For Human Genetics Tuebingen Variant Classification Criteria Version 2. Collection method: clinical testing. Allele origin: germline. Affected: yes. Observed: 1 variant allele.
Comment: AP4S1: PM2:Supporting, BP4, BP7

NM_001128126.3(AP4S1):c.93G>A (p.Leu31=)

Gene: AP4S1 (adaptor related protein complex 4 subunit sigma 1; plus strand). Cytogenetic location: 14q12.
Variant type: single nucleotide variant.
Coding change: c.93G>A on transcript NM_001128126.3 (MANE Select); coding-DNA position 93, G replaced by A.
Protein change: p.Leu31=; no amino-acid change (leucine 31 retained).
Molecular consequence: synonymous variant.
Genome position (GRCh38, 1-based): chr14:31,066,289, G>A. VCF-style: chr14-31066289-G-A. GRCh37 (hg19) VCF-style: chr14-31535495-G-A.
Other names: c.93G>A, p.Leu31= (NM_001254726.2, NM_001254727.2, NM_001254728.2 and 2 more transcripts).
Identifiers: ClinVar variation 2644153 (VCV002644153.24), dbSNP rs2502389624, ClinGen allele CA485832005.
Genomic context (GRCh38, chr14:31,066,289, plus strand): 5'-AGGGCAGACTCGACTTTCTAAGTACTATGAACATGTGGATATTAATAAGCGTACACTTCT[G>A]GAAACAGAAGTCATAAAGAGCTGTCTCTCTCGATCCAATGAACAAGTAAGTCTCTGGTTC-3'
Protein context (NP_001121598.1, residues 21-41): EHVDINKRTL[Leu31=]ETEVIKSCLS